The following is an entry in ClinVar:

ClinVar aggregate classification (germline): Conflicting classifications of pathogenicity. Review status: criteria provided, conflicting classifications (1 of 4 stars). 5 submissions from 5 submitters: Uncertain significance (3); Likely benign (1). 1 of the submissions does not count toward it. Last evaluated 2025-12-16.

Conditions:
Hereditary cancer-predisposing syndrome. Also called: Neoplastic Syndromes, Hereditary; Hereditary neoplastic syndrome; Tumor predisposition; Hereditary Cancer Syndrome. Identifiers: Orphanet 140162, MedGen C0027672, MeSH D009386, MONDO:0015356.
Hereditary breast ovarian cancer syndrome. Also called: Hereditary breast and ovarian cancer; Hereditary breast and ovarian cancer syndrome (HBOC); Hereditary breast and ovarian cancer syndrome; Breast and ovarian cancer; Hereditary breast and/or ovarian cancer syndrome; BRCA1- and BRCA2-Associated Hereditary Breast and Ovarian Cancer. Identifiers: Orphanet 145, MedGen C0677776, MeSH D061325, MONDO:0003582. Disease mechanism: loss of function.
Breast-ovarian cancer, familial, susceptibility to, 2 (BROVCA2). Also called: BRCA2 Hereditary Breast and Ovarian Cancer. Identifiers: Orphanet 145, MedGen C2675520, MONDO:0012933, OMIM 612555. Disease mechanism: loss of function.

Submissions (5):

Ambry Genetics
Classification: Uncertain significance for Hereditary cancer-predisposing syndrome. Last evaluated: 2025-12-16. Review status: criteria provided, single submitter. Criteria: Ambry Variant Classification Scheme 2023. Collection method: clinical testing. Allele origin: germline.
Comment: The p.Y600C variant (also known as c.1799A>G), located in coding exon 9 of the BRCA2 gene, results from an A to G substitution at nucleotide position 1799. The tyrosine at codon 600 is replaced by cysteine, an amino acid with highly dissimilar properties. This amino acid position is not well conserved in available vertebrate species. In addition, this alteration is predicted to be tolerated by in silico analysis. Based on the available evidence, the clinical significance of this variant remains unclear.

Dasa
Classification: Uncertain significance for Breast-ovarian cancer, familial, susceptibility to, 2. Last evaluated: 2025-05-14. Review status: criteria provided, single submitter. Criteria: DASA Assertion Criteria. Collection method: clinical testing. Allele origin: germline.
Comment: NM_000059.4(BRCA2):c.1799A>G (p.Tyr600Cys) is a missense variant that results in the substitution of tyrosine with cysteine. This variant is absent from population databases. The currently available literature and clinical evidence are not sufficient to establish a definitive association between this variant and the reported condition. Therefore, this variant is classified as a variant of uncertain significance.

Labcorp Genetics (formerly Invitae), Labcorp
Classification: Uncertain significance for Hereditary breast ovarian cancer syndrome. Last evaluated: 2025-02-27. Review status: criteria provided, single submitter. Criteria: Invitae Variant Classification Sherloc (09022015). Collection method: clinical testing. Allele origin: germline.
Comment: This sequence change replaces tyrosine, which is neutral and polar, with cysteine, which is neutral and slightly polar, at codon 600 of the BRCA2 protein (p.Tyr600Cys). This variant is not present in population databases (gnomAD no frequency). This missense change has been observed in individual(s) with breast cancer (PMID: 32072338). ClinVar contains an entry for this variant (Variation ID: 37757). Invitae Evidence Modeling of protein sequence and biophysical properties (such as structural, functional, and spatial information, amino acid conservation, physicochemical variation, residue mobility, and thermodynamic stability) indicates that this missense variant is not expected to disrupt BRCA2 protein function with a negative predictive value of 95%. In summary, the available evidence is currently insufficient to determine the role of this variant in disease. Therefore, it has been classified as a Variant of Uncertain Significance.

University of Washington Department of Laboratory Medicine, University of Washington
Classification: Likely benign for Hereditary cancer-predisposing syndrome. Last evaluated: 2023-03-23. Review status: criteria provided, single submitter. Criteria: Dines et al. (Genet Med. 2020). Collection method: curation. Allele origin: germline.
Comment: Missense variant in a coldspot region where missense variants are very unlikely to be pathogenic (PMID:31911673).

BRCA2 exon 10 coldspot. Reclassification based on statistical prior probability.

Sharing Clinical Reports Project (SCRP)
Classification: Pathogenic for Breast-ovarian cancer, familial 2. Last evaluated: 2008-02-15. Review status: no assertion criteria provided. Collection method: clinical testing. Allele origin: germline. Not counted in ClinVar's aggregate classification.

Literature cited by the submitters: PubMed 32072338 (cited by Labcorp Genetics (formerly Invitae), Labcorp).

NM_000059.4(BRCA2):c.1799A>G (p.Tyr600Cys)

Gene: BRCA2 (BRCA2 DNA repair associated; plus strand). Cytogenetic location: 13q13.1.
Variant type: single nucleotide variant.
Coding change: c.1799A>G on transcript NM_000059.4 (MANE Select); coding-DNA position 1799, A replaced by G.
Protein change: p.Tyr600Cys; replaces tyrosine 600 with cysteine.
Molecular consequence: missense variant.
Genome position (GRCh38, 1-based): chr13:32,333,277, A>G. VCF-style: chr13-32333277-A-G. GRCh37 (hg19) VCF-style: chr13-32907414-A-G.
Other names: short protein forms Y600C.
Identifiers: ClinVar variation 37757 (VCV000037757.15), dbSNP rs397507276, ClinGen allele CA013299.